The following is an entry in ClinVar:

ClinVar aggregate classification (germline): Uncertain significance (1 of 4 stars; one submission).

Conditions:
MEGF10-related myopathy (CMYO10A). Also called: Congenital myopathy 10A, severe variant. Identifiers: Orphanet 439212, MedGen C3280679, MONDO:0013731, OMIM 614399.

Allele frequency attached by ClinVar (database versions not stated): gnomAD 0.00001; TOPMed 0.00002.
gnomAD v4.1: 1 of 1,613,962 alleles (0.000062%); highest among the groups gnomAD compares: Non-Finnish European, 0.000085%; no homozygotes.

Submission:

Labcorp Genetics (formerly Invitae), Labcorp
Classification: Uncertain significance for MEGF10-related myopathy. Last evaluated: 2020-08-20. Review status: criteria provided, single submitter. Criteria: Invitae Variant Classification Sherloc (09022015). Collection method: clinical testing. Allele origin: germline.
Comment: This sequence change replaces asparagine with serine at codon 961 of the MEGF10 protein (p.Asn961Ser). The asparagine residue is highly conserved and there is a small physicochemical difference between asparagine and serine. This variant is not present in population databases (ExAC no frequency). This variant has not been reported in the literature in individuals with MEGF10-related conditions. Algorithms developed to predict the effect of missense changes on protein structure and function are either unavailable or do not agree on the potential impact of this missense change (SIFT: "Deleterious"; PolyPhen-2: "Benign"; Align-GVGD: "Class C0"). In summary, the available evidence is currently insufficient to determine the role of this variant in disease. Therefore, it has been classified as a Variant of Uncertain Significance.

NM_001256545.2(MEGF10):c.2882A>G (p.Asn961Ser)

Gene: MEGF10 (multiple EGF like domains 10; plus strand). Cytogenetic location: 5q23.2.
Variant type: single nucleotide variant.
Coding change: c.2882A>G on transcript NM_001256545.2 (MANE Select); coding-DNA position 2882, A replaced by G.
Protein change: p.Asn961Ser; replaces asparagine 961 with serine.
Molecular consequence: missense variant.
Genome position (GRCh38, 1-based): chr5:127,449,124, A>G. VCF-style: chr5-127449124-A-G. GRCh37 (hg19) VCF-style: chr5-126784816-A-G.
Other names: c.2882A>G, p.Asn961Ser (NM_032446.3); short protein forms N961S.
Identifiers: ClinVar variation 1037455 (VCV001037455.9), dbSNP rs902313197, ClinGen allele CA126969234.